The following is an entry in ClinVar:

NM_000620.5(NOS1):c.4059C>A (p.Val1353=)

Gene: NOS1 (nitric oxide synthase 1; minus strand). Cytogenetic location: 12q24.22.
Variant type: single nucleotide variant.
Coding change: c.4059C>A on transcript NM_000620.5 (MANE Select); coding-DNA position 4059, C replaced by A.
Protein change: p.Val1353=; no amino-acid change (valine 1353 retained).
Molecular consequence: synonymous variant.
Genome position (GRCh38, 1-based): chr12:117,220,186, G>T on the plus strand (C>A on the coding strand, the complement: NOS1 is on the minus strand). VCF-style: chr12-117220186-G-T. GRCh37 (hg19) VCF-style: chr12-117657991-G-T.
Other names: NC_000012.11:g.117657991G>T; c.3051C>A, p.Val1017= (NM_001204213.2, NM_001204214.2); c.4161C>A, p.Val1387= (NM_001204218.2).
Identifiers: ClinVar variation 3059998 (VCV003059998.3), dbSNP rs2293044, ClinGen allele CA6814323.

ClinVar aggregate classification (germline): Benign (0 of 4 stars; one submission).

Conditions:
NOS1-related disorder. Also called: NOS1-related condition.

Allele frequency attached by ClinVar (database versions not stated): ExAC 0.01773; ESP Exome Variant Server 0.02632; gnomAD 0.02664; TOPMed 0.02969; 1000 Genomes Project 30x 0.03701; 1000 Genomes Project 0.03894.
gnomAD v4.1: 21,424 of 1,613,938 alleles (1.3%); highest among the groups gnomAD compares: East Asian, 7.1%; 467 homozygotes.

Submissions (11):

PreventionGenetics, part of Exact Sciences
Classification: Benign for NOS1-related condition. Last evaluated: 2024-01-03. Review status: no assertion criteria provided. Collection method: clinical testing. Allele origin: germline.
Comment: This variant is classified as benign based on ACMG/AMP sequence variant interpretation guidelines (Richards et al. 2015 PMID: 25741868, with internal and published modifications).

Dr. Peter K. Rogan Lab, Western University
No classification provided (evidence only). Condition: Melanoma. Review status: no classification provided. Collection method: in vitro. Allele origin: not applicable. Functional consequence: retained intron. Not counted in ClinVar's aggregate classification.

Dr. Peter K. Rogan Lab, Western University
No classification provided (evidence only). Condition: Melanoma. Review status: no classification provided. Collection method: in vitro. Allele origin: not applicable. Functional consequence: retained intron. Not counted in ClinVar's aggregate classification.

Dr. Peter K. Rogan Lab, Western University
No classification provided (evidence only). Condition: Sarcoma. Review status: no classification provided. Collection method: in vitro. Allele origin: not applicable. Functional consequence: retained intron. Not counted in ClinVar's aggregate classification.

Dr. Peter K. Rogan Lab, Western University
No classification provided (evidence only). Condition: Sarcoma. Review status: no classification provided. Collection method: in vitro. Allele origin: not applicable. Functional consequence: retained intron. Not counted in ClinVar's aggregate classification.

Dr. Peter K. Rogan Lab, Western University
No classification provided (evidence only). Condition: Sarcoma. Review status: no classification provided. Collection method: in vitro. Allele origin: not applicable. Functional consequence: retained intron. Not counted in ClinVar's aggregate classification.

Dr. Peter K. Rogan Lab, Western University
No classification provided (evidence only). Condition: Nonpapillary renal cell carcinoma. Review status: no classification provided. Collection method: in vitro. Allele origin: not applicable. Functional consequence: retained intron. Not counted in ClinVar's aggregate classification.

Dr. Peter K. Rogan Lab, Western University
No classification provided (evidence only). Condition: Ovarian serous cystadenocarcinoma. Review status: no classification provided. Collection method: in vitro. Allele origin: not applicable. Functional consequence: retained intron. Not counted in ClinVar's aggregate classification.

Dr. Peter K. Rogan Lab, Western University
No classification provided (evidence only). Condition: Gastric cancer. Review status: no classification provided. Collection method: in vitro. Allele origin: not applicable. Functional consequence: retained intron. Not counted in ClinVar's aggregate classification.

Dr. Peter K. Rogan Lab, Western University
No classification provided (evidence only). Condition: Malignant tumor of esophagus. Review status: no classification provided. Collection method: in vitro. Allele origin: not applicable. Functional consequence: retained intron. Not counted in ClinVar's aggregate classification.

Dr. Peter K. Rogan Lab, Western University
No classification provided (evidence only). Condition: Malignant tumor of esophagus. Review status: no classification provided. Collection method: in vitro. Allele origin: not applicable. Functional consequence: retained intron. Not counted in ClinVar's aggregate classification.